The following is an entry in ClinVar:

ClinVar aggregate classification (germline): Uncertain significance. Review status: criteria provided, multiple submitters, no conflicts (2 of 4 stars). 2 submissions from 2 submitters: Uncertain significance (2). Last evaluated 2024-06-17.

Conditions:
Hereditary cancer-predisposing syndrome. Also called: Tumor predisposition; Hereditary neoplastic syndrome; Neoplastic Syndromes, Hereditary; Hereditary Cancer Syndrome. Identifiers: Orphanet 140162, MedGen C0027672, MeSH D009386, MONDO:0015356.
Familial cancer of breast. Also called: hereditary breast carcinoma; Hereditary breast cancer; BREAST CANCER, FAMILIAL. Identifiers: Orphanet 227535, MedGen C0346153, MONDO:0016419, OMIM 114480. Disease mechanism: loss of function.

Submissions (2):

Ambry Genetics
Classification: Uncertain significance for Hereditary cancer-predisposing syndrome. Last evaluated: 2024-06-17. Review status: criteria provided, single submitter. Criteria: Ambry Variant Classification Scheme 2023. Collection method: clinical testing. Allele origin: germline.
Comment: The p.A392T variant (also known as c.1174G>A), located in coding exon 10 of the CHEK2 gene, results from a G to A substitution at nucleotide position 1174. The alanine at codon 392 is replaced by threonine, an amino acid with similar properties. This amino acid position is highly conserved in available vertebrate species. In addition, this alteration is predicted to be deleterious by in silico analysis. Based on the available evidence, the clinical significance of this variant remains unclear.

Labcorp Genetics (formerly Invitae), Labcorp
Classification: Uncertain significance for Familial cancer of breast. Last evaluated: 2023-06-14. Review status: criteria provided, single submitter. Criteria: Invitae Variant Classification Sherloc (09022015). Collection method: clinical testing. Allele origin: germline.
Comment: An algorithm developed to predict the effect of missense changes on protein structure and function (PolyPhen-2) suggests that this variant is likely to be disruptive. In summary, the available evidence is currently insufficient to determine the role of this variant in disease. Therefore, it has been classified as a Variant of Uncertain Significance. This variant is not present in population databases (gnomAD no frequency). This sequence change replaces alanine, which is neutral and non-polar, with threonine, which is neutral and polar, at codon 392 of the CHEK2 protein (p.Ala392Thr). ClinVar contains an entry for this variant (Variation ID: 818495). This variant has not been reported in the literature in individuals affected with CHEK2-related conditions.

NM_007194.4(CHEK2):c.1174G>A (p.Ala392Thr)

Gene: CHEK2 (checkpoint kinase 2; minus strand). Cytogenetic location: 22q12.1.
Variant type: single nucleotide variant.
Coding change: c.1174G>A on transcript NM_007194.4 (MANE Select); coding-DNA position 1174, G replaced by A.
Protein change: p.Ala392Thr; replaces alanine 392 with threonine.
Molecular consequence: missense variant.
Genome position (GRCh38, 1-based): chr22:28,695,795, C>T on the plus strand (G>A on the coding strand, the complement: CHEK2 is on the minus strand). VCF-style: chr22-28695795-C-T. GRCh37 (hg19) VCF-style: chr22-29091783-C-T.
Other names: c.1303G>A, p.Ala435Thr (NM_001005735.3); c.511G>A, p.Ala171Thr (NM_001257387.3); c.973G>A, p.Ala325Thr (NM_001349956.3); c.1087G>A, p.Ala363Thr (NM_145862.3); short protein forms A392T, A171T, A363T, A435T, A325T.
Identifiers: ClinVar variation 818495 (VCV000818495.16), dbSNP rs587782184, ClinGen allele CA411096820.